The following is an entry in ClinVar:

NM_001195.5(BFSP1):c.957-3C>T

Gene: BFSP1 (beaded filament structural protein 1; minus strand). Cytogenetic location: 20p12.1.
Variant type: single nucleotide variant.
Coding change: c.957-3C>T on transcript NM_001195.5 (MANE Select); 3 bases into the intron before coding-DNA position 957, C replaced by T.
Molecular consequence: intron variant.
Genome position (GRCh38, 1-based): chr20:17,497,026, G>A on the plus strand (C>T on the coding strand, the complement: BFSP1 is on the minus strand). VCF-style: chr20-17497026-G-A. GRCh37 (hg19) VCF-style: chr20-17477671-G-A.
Other names: c.540-3C>T (NM_001278608.2, NM_001278606.2); c.624-3C>T (NM_001278607.2); c.582-3C>T (NM_001161705.2); c.957-3C>T (NM_001195.4).
Identifiers: ClinVar variation 2048624 (VCV002048624.6), dbSNP rs752857487, ClinGen allele CA9772147.

ClinVar aggregate classification (germline): Likely benign. Review status: criteria provided, single submitter (1 of 4 stars). 2 submissions from 2 submitters: Likely benign (1). 1 of the submissions does not count toward it. Last evaluated 2023-07-17.

Conditions:
BFSP1-related disorder. Also called: BFSP1-related condition.
Cataract 33. Also called: CATARACT 33, CORTICAL. Identifiers: Orphanet 91492, MedGen C3808107, MONDO:0012665, OMIM 611391.

Allele frequency attached by ClinVar (database versions not stated): TOPMed 0.00013; gnomAD 0.00003; gnomAD exomes 0.00008.

Submissions (2):

Labcorp Genetics (formerly Invitae), Labcorp
Classification: Likely benign for Cataract 33. Last evaluated: 2023-07-17. Review status: criteria provided, single submitter. Criteria: Invitae Variant Classification Sherloc (09022015). Collection method: clinical testing. Allele origin: germline.

PreventionGenetics, part of Exact Sciences
Classification: Likely benign for BFSP1-related condition. Last evaluated: 2023-03-22. Review status: no assertion criteria provided. Collection method: clinical testing. Allele origin: germline. Not counted in ClinVar's aggregate classification.
Comment: This variant is classified as likely benign based on ACMG/AMP sequence variant interpretation guidelines (Richards et al. 2015 PMID: 25741868, with internal and published modifications).